The following is an entry in ClinVar:

NM_001286445.3(RIPOR2):c.1103G>T (p.Arg368Ile)

Gene: RIPOR2 (RHO family interacting cell polarization regulator 2; minus strand). Cytogenetic location: 6p22.3.
Variant type: single nucleotide variant.
Coding change: c.1103G>T on transcript NM_001286445.3 (MANE Select); coding-DNA position 1103, G replaced by T.
Protein change: p.Arg368Ile; replaces arginine 368 with isoleucine.
Molecular consequence: missense variant.
Genome position (GRCh38, 1-based): chr6:24,848,086, C>A on the plus strand (G>T on the coding strand, the complement: RIPOR2 is on the minus strand). VCF-style: chr6-24848086-C-A. GRCh37 (hg19) VCF-style: chr6-24848314-C-A.
Other names: c.1118G>T, p.Arg373Ile (NM_001286446.3); c.1016G>T, p.Arg339Ile (NM_001286447.2, NM_001346031.2, NM_001346032.2 and 2 more transcripts); short protein forms R339I, R368I, R373I.
Identifiers: ClinVar variation 4538029 (VCV004538029.1).
Genomic context (GRCh38, chr6:24,848,086, plus strand): 5'-AAGAAGGAGTGGTCTTTGAAGGTGGGCGTTTCCGGGGTACCCTGGCTGTACATGGACATT[C>A]TCCTCTGAAGGGCTGCTGCCTTGTTCCCAGCGCCTGAGGATGCGGTCATGTCCTCCACGT-3'
Protein context (NP_001273374.1, residues 358-378): AGNKAAALQR[Arg368Ile]MSMYSQGTPE

ClinVar aggregate classification (germline): Uncertain significance (1 of 4 stars; one submission).

Submission:

GeneDx
Classification: Uncertain significance. Last evaluated: 2025-06-13. Review status: criteria provided, single submitter. Criteria: GeneDx Variant Classification Process June 2021. Collection method: clinical testing. Allele origin: germline. Affected: yes.
Comment: Not observed at significant frequency in large population cohorts (gnomAD); In silico analysis supports that this missense variant has a deleterious effect on protein structure/function; Has not been previously published as pathogenic or benign to our knowledge